The following is an entry in ClinVar:

NM_003002.4(SDHD):c.318C>T (p.Gly106=)

Gene: SDHD (succinate dehydrogenase complex subunit D; plus strand). Cytogenetic location: 11q23.1.
Variant type: single nucleotide variant.
Coding change: c.318C>T on transcript NM_003002.4 (MANE Select); coding-DNA position 318, C replaced by T.
Protein change: p.Gly106=; no amino-acid change (glycine 106 retained).
Molecular consequence: synonymous variant. On other transcripts: missense variant (1), 3 prime UTR variant (1), non-coding transcript variant (1).
Genome position (GRCh38, 1-based): chr11:112,094,808, C>T. VCF-style: chr11-112094808-C-T. GRCh37 (hg19) VCF-style: chr11-111965532-C-T.
Other names: c.318C>T (NM_003002.2); c.173C>T, p.Ala58Val (NM_001276503.2); c.201C>T, p.Gly67= (NM_001276504.2); c.*16C>T (NM_001276506.2); short protein forms A58V.
Identifiers: ClinVar variation 1544087 (VCV001544087.11), dbSNP rs878854592, ClinGen allele CA382618736.
Genomic context (GRCh38, chr11:112,094,808, plus strand): 5'-GTCTTCTAATTTCACTGTGGTTTTTTATTGATGTTATGATTTTTTCTTTTTCTTTAGGGG[C>T]CTTGGACAAGTTGTTACTGACTATGTTCATGGGGATGCCTTGCAGAAAGCTGCCAAGGCA-3'
Protein context (NP_002993.1, residues 96-116): AAALTLHGHW[Gly106=]LGQVVTDYVH

ClinVar aggregate classification (germline): Benign/Likely benign. Review status: criteria provided, multiple submitters, no conflicts (2 of 4 stars). 4 submissions from 4 submitters: Benign (1); Likely benign (3). Last evaluated 2025-06-30.

Conditions:
Hereditary pheochromocytoma and paraganglioma. Also called: Hereditary pheochromocytoma-paraganglioma; Hereditary paragangliomas and pheochromocytomas; Hereditary Paraganglioma-Pheochromocytoma Syndromes. Identifiers: Orphanet 29072, MedGen C4274332, MONDO:0017366.
Pheochromocytoma/paraganglioma syndrome 1. Also called: PARAGANGLIOMAS, FAMILIAL NONCHROMAFFIN, 1; PGL 1; Paragangliomas familial 1; PARAGANGLIOMATA; Paragangliomas 1; Glomus tumors familial 1. Identifiers: Orphanet 29072, MedGen C3494181, MONDO:0008192, OMIM 168000.
Paragangliomas with sensorineural hearing loss. Identifiers: MedGen C1868633.
Pheochromocytoma. Also called: MAX-Related Hereditary Paraganglioma-Pheochromocytoma Syndrome. Identifiers: Orphanet 29072, MedGen C0031511, MONDO:0008233, OMIM 171300, HP:0002666.
Carney-Stratakis syndrome. Also called: PARAGANGLIOMA AND GASTROINTESTINAL STROMAL TUMOR. Identifiers: Orphanet 97286, MedGen C1847319, MONDO:0011740, OMIM 606864.
Cowden syndrome 3 (CWS3). Identifiers: Orphanet 201, MedGen CN166604, MONDO:0014045.
Hereditary cancer-predisposing syndrome. Also called: Neoplastic Syndromes, Hereditary; Tumor predisposition; Hereditary Cancer Syndrome; Hereditary neoplastic syndrome. Identifiers: Orphanet 140162, MedGen C0027672, MeSH D009386, MONDO:0015356.

Allele frequency attached by ClinVar (database versions not stated): gnomAD exomes below 0.00001.
gnomAD v4.1: 3 of 1,611,622 alleles (0.00019%); highest among the groups gnomAD compares: Non-Finnish European, 0.00025%; no homozygotes.

Submissions (4):

Color Diagnostics, LLC DBA Color Health
Classification: Likely benign for Hereditary pheochromocytoma and paraganglioma. Last evaluated: 2025-06-30. Review status: criteria provided, single submitter. Criteria: ACMG Guidelines, 2015. Collection method: clinical testing. Allele origin: germline.

Myriad Genetics, Inc.
Classification: Benign for Pheochromocytoma/paraganglioma syndrome 1. Last evaluated: 2025-03-17. Review status: criteria provided, single submitter. Criteria: Myriad Autosomal Dominant, Autosomal Recessive and X-Linked Classification Criteria (2023). Collection method: clinical testing. Allele origin: unknown.
Comment: This variant is considered benign. This variant is a silent/synonymous amino acid change and it is not expected to impact splicing.

Labcorp Genetics (formerly Invitae), Labcorp
Classification: Likely benign for Carney-Stratakis syndrome; Paragangliomas with sensorineural hearing loss; Pheochromocytoma; Cowden syndrome 3. Last evaluated: 2025-01-28. Review status: criteria provided, single submitter. Criteria: Invitae Variant Classification Sherloc (09022015). Collection method: clinical testing. Allele origin: germline.

Ambry Genetics
Classification: Likely benign for Hereditary cancer-predisposing syndrome. Last evaluated: 2024-02-22. Review status: criteria provided, single submitter. Criteria: Ambry Variant Classification Scheme 2023. Collection method: clinical testing. Allele origin: germline.